The following is an entry in ClinVar:

NM_144670.6(A2ML1):c.2051C>T (p.Ser684Phe)

Gene: A2ML1 (alpha-2-macroglobulin like 1; plus strand). Cytogenetic location: 12p13.31.
Variant type: single nucleotide variant.
Coding change: c.2051C>T on transcript NM_144670.6 (MANE Select); coding-DNA position 2051, C replaced by T.
Protein change: p.Ser684Phe; replaces serine 684 with phenylalanine.
Molecular consequence: missense variant.
Genome position (GRCh38, 1-based): chr12:8,849,691, C>T. VCF-style: chr12-8849691-C-T. GRCh37 (hg19) VCF-style: chr12-9002287-C-T.
Other names: c.578C>T, p.Ser193Phe (NM_001282424.3); c.2051C>T (NM_144670.3); short protein forms S684F, S193F.
Identifiers: ClinVar variation 1044632 (VCV001044632.9), dbSNP rs774848519, ClinGen allele CA6435889.

ClinVar aggregate classification (germline): Uncertain significance. Review status: criteria provided, multiple submitters, no conflicts (2 of 4 stars). 2 submissions from 2 submitters: Uncertain significance (2). Last evaluated 2024-05-05.

Allele frequency attached by ClinVar (database versions not stated): gnomAD exomes below 0.00001 and 0.00001; TOPMed below 0.00001; ExAC 0.00001.
gnomAD v4.1: 5 of 1,614,150 alleles (0.00031%); highest among the groups gnomAD compares: Non-Finnish European, 0.00042%; no homozygotes.

Submissions (2):

Ambry Genetics
Classification: Uncertain significance. Last evaluated: 2024-05-05. Review status: criteria provided, single submitter. Criteria: Ambry Variant Classification Scheme 2023. Collection method: clinical testing. Allele origin: germline.
Comment: The p.S684F variant (also known as c.2051C>T), located in coding exon 17 of the A2ML1 gene, results from a C to T substitution at nucleotide position 2051. The serine at codon 684 is replaced by phenylalanine, an amino acid with highly dissimilar properties. This amino acid position is conserved. In addition, this alteration is predicted to be tolerated by in silico analysis. Based on the available evidence, the clinical significance of this variant remains unclear.

Labcorp Genetics (formerly Invitae), Labcorp
Classification: Uncertain significance. Last evaluated: 2020-10-30. Review status: criteria provided, single submitter. Criteria: Invitae Variant Classification Sherloc (09022015). Collection method: clinical testing. Allele origin: germline.
Comment: This variant is present in population databases (rs774848519, ExAC 0.001%). In summary, the available evidence is currently insufficient to determine the role of this variant in disease. Therefore, it has been classified as a Variant of Uncertain Significance. Algorithms developed to predict the effect of missense changes on protein structure and function (SIFT, PolyPhen-2, Align-GVGD) all suggest that this variant is likely to be disruptive, but these predictions have not been confirmed by published functional studies and their clinical significance is uncertain. This variant has not been reported in the literature in individuals with A2ML1-related conditions. This sequence change replaces serine with phenylalanine at codon 684 of the A2ML1 protein (p.Ser684Phe). The serine residue is moderately conserved and there is a large physicochemical difference between serine and phenylalanine.